The following is an entry in ClinVar:

ClinVar aggregate classification (germline): Pathogenic (1 of 4 stars; one submission).

Conditions:
Maturity-onset diabetes of the young (MODY). Also called: Maturity onset diabetes mellitus in young. Identifiers: Orphanet 552, MedGen C0342276, MONDO:0018911, HP:0004904.

Allele frequency attached by ClinVar (database versions not stated): gnomAD exomes below 0.00001.
gnomAD v4.1: 1 of 1,350,610 alleles (0.000074%); highest among the groups gnomAD compares: Non-Finnish European, 0.000094%; no homozygotes.

Submission:

Department Of Endocrinology, Sanjay Gandhi Postgraduate Institute Of Medical Sciences
Classification: Pathogenic for Maturity-onset diabetes of the young type 1. Last evaluated: 2023-08-15. Review status: criteria provided, single submitter. Criteria: ACMG Guidelines, 2015. Collection method: research. Allele origin: unknown. Inheritance: Autosomal dominant inheritance. Affected: yes. Observed: 1 heterozygote.
Comment: A heterozygous 5' splice site variation in intron 1 of the PTF1A gene (chr10:g.23482244G>A) that affects the invariant GT donor splice site of exon 1 (c.784+1G>A). The variant has not been reported in the 1000 genomes and gnomAD. The in-silico prediction# of the variant is damaging by MutationTaster2 The reference base is conserved across species. PVS1, PM2, PP3

NM_178161.3(PTF1A):c.784+1G>A

Gene: PTF1A (pancreas associated transcription factor 1a; plus strand). Cytogenetic location: 10p12.2.
Variant type: single nucleotide variant.
Coding change: c.784+1G>A on transcript NM_178161.3 (MANE Select); the canonical splice donor site of the intron after coding-DNA position 784, G replaced by A.
Molecular consequence: splice donor variant.
Genome position (GRCh38, 1-based): chr10:23,193,315, G>A. VCF-style: chr10-23193315-G-A. GRCh37 (hg19) VCF-style: chr10-23482244-G-A.
Other names: NG_009798.1:g.5785G>A.
Identifiers: ClinVar variation 2576993 (VCV002576993.2), dbSNP rs868849369, ClinGen allele CA376263348.